The following is an entry in ClinVar:

ClinVar aggregate classification (germline): Uncertain significance (1 of 4 stars; one submission).

Allele frequency attached by ClinVar (database versions not stated): gnomAD 0.00005; gnomAD exomes 0.00005 and 0.00006; TOPMed 0.00007; ExAC 0.00008; ESP Exome Variant Server 0.00008.
gnomAD v4.1: 77 of 1,613,938 alleles (0.0048%); highest among the groups gnomAD compares: Admixed American, 0.012%; no homozygotes.

Submission:

Labcorp Genetics (formerly Invitae), Labcorp
Classification: Uncertain significance. Last evaluated: 2021-07-16. Review status: criteria provided, single submitter. Criteria: Invitae Variant Classification Sherloc (09022015). Collection method: clinical testing. Allele origin: germline.
Comment: This variant is present in population databases (rs371468509, ExAC 0.02%). This sequence change replaces threonine with asparagine at codon 130 of the WNT9B protein (p.Thr130Asn). The threonine residue is weakly conserved and there is a small physicochemical difference between threonine and asparagine. This variant has not been reported in the literature in individuals affected with WNT9B-related conditions. In summary, the available evidence is currently insufficient to determine the role of this variant in disease. Therefore, it has been classified as a Variant of Uncertain Significance. Algorithms developed to predict the effect of missense changes on protein structure and function are either unavailable or do not agree on the potential impact of this missense change (SIFT: "Not Available"; PolyPhen-2: "Benign"; Align-GVGD: "Not Available").

NM_003396.3(WNT9B):c.389C>A (p.Thr130Asn)

Genes: LRRC37A2 (leucine rich repeat containing 37 member A2), WNT9B (Wnt family member 9B; plus strand). Cytogenetic location: 17q21.32.
Variant type: single nucleotide variant.
Coding change: c.389C>A on transcript NM_003396.3 (MANE Select); coding-DNA position 389, C replaced by A.
Protein change: p.Thr130Asn; replaces threonine 130 with asparagine.
Molecular consequence: missense variant.
Genome position (GRCh38, 1-based): chr17:46,875,155, C>A. VCF-style: chr17-46875155-C-A. GRCh37 (hg19) VCF-style: chr17-44952521-C-A.
Other names: c.389C>A, p.Thr130Asn (NM_001320458.2); short protein forms T130N.
Identifiers: ClinVar variation 1424456 (VCV001424456.8), dbSNP rs371468509, ClinGen allele CA8620886.
Genomic context (GRCh38, chr17:46,875,155, plus strand): 5'-ATCCAGGCTTCAAAGAGACAGCTTTCCTGTACGCGGTGTCCTCTGCCGCCCTCACCCACA[C>A]CCTGGCCCGGGCCTGCAGCGCTGGGCGCATGGAGCGCTGCACCTGTGATGACTCTCCGGG-3'
Protein context (NP_003387.1, residues 120-140): YAVSSAALTH[Thr130Asn]LARACSAGRM